The following is an entry in ClinVar:

ClinVar aggregate classification (germline): Uncertain significance. Review status: criteria provided, multiple submitters, no conflicts (2 of 4 stars). 2 submissions from 2 submitters: Uncertain significance (2). Last evaluated 2023-12-28.

Conditions:
Benign familial infantile epilepsy. Also called: Benign familial infantile seizures. Identifiers: Orphanet 306, MedGen C5575231, MONDO:0017615.

Allele frequency attached by ClinVar (database versions not stated): gnomAD exomes 0.00001.
gnomAD v4.1: 3 of 1,612,152 alleles (0.00019%); highest among the groups gnomAD compares: Non-Finnish European, 0.00025%; no homozygotes.

Submissions (2):

Women's Health and Genetics/Laboratory Corporation of America, LabCorp
Classification: Uncertain significance. Last evaluated: 2023-12-28. Review status: criteria provided, single submitter. Criteria: LabCorp Variant Classification Summary - May 2015. Collection method: clinical testing. Allele origin: germline.
Comment: Variant summary: CHRNA2 c.1350G>T (p.Lys450Asn) results in a non-conservative amino acid change located in the neurotransmitter-gated ion-channel transmembrane domain (IPR006029) of the encoded protein sequence. Three of five in-silico tools predict a benign effect of the variant on protein function. The variant was absent in 251118 control chromosomes (gnomAD). The available data on variant occurrences in the general population are insufficient to allow any conclusion about variant significance. To our knowledge, no occurrence of c.1350G>T in individuals affected with Autosomal Dominant Nocturnal Frontal Lobe Epilepsy and no experimental evidence demonstrating its impact on protein function have been reported. No submitters have cited clinical-significance assessments for this variant to ClinVar after 2014. Based on the evidence outlined above, the variant was classified as uncertain significance.

Department of Pathology and Laboratory Medicine, Sinai Health System
Classification: Uncertain significance for benign familial infantile epilepsy. Last evaluated: 2022-03-23. Review status: criteria provided, single submitter. Criteria: ACMG Guidelines, 2015. Collection method: research. Allele origin: germline.

NM_000742.4(CHRNA2):c.1350G>T (p.Lys450Asn)

Gene: CHRNA2 (cholinergic receptor nicotinic alpha 2 subunit; minus strand). Cytogenetic location: 8p21.2.
Variant type: single nucleotide variant.
Coding change: c.1350G>T on transcript NM_000742.4 (MANE Select); coding-DNA position 1350, G replaced by T.
Protein change: p.Lys450Asn; replaces lysine 450 with asparagine.
Molecular consequence: missense variant.
Genome position (GRCh38, 1-based): chr8:27,463,093, C>A on the plus strand (G>T on the coding strand, the complement: CHRNA2 is on the minus strand). VCF-style: chr8-27463093-C-A. GRCh37 (hg19) VCF-style: chr8-27320610-C-A.
Other names: c.1305G>T, p.Lys435Asn (NM_001282455.2); c.873G>T, p.Lys291Asn (NM_001347705.2, NM_001347706.2); c.756G>T, p.Lys252Asn (NM_001347707.2, NM_001347708.2); short protein forms K252N, K291N, K435N, K450N.
Identifiers: ClinVar variation 2691440 (VCV002691440.2), dbSNP rs2490532967, ClinGen allele CA370808162.